The following is an entry in ClinVar:

NM_001349253.2(SCN11A):c.3791A>G (p.Tyr1264Cys)

Gene: SCN11A (sodium voltage-gated channel alpha subunit 11; minus strand). Cytogenetic location: 3p22.2.
Variant type: single nucleotide variant.
Coding change: c.3791A>G on transcript NM_001349253.2 (MANE Select); coding-DNA position 3791, A replaced by G.
Protein change: p.Tyr1264Cys; replaces tyrosine 1264 with cysteine.
Molecular consequence: missense variant.
Genome position (GRCh38, 1-based): chr3:38,870,713, T>C on the plus strand (A>G on the coding strand, the complement: SCN11A is on the minus strand). VCF-style: chr3-38870713-T-C. GRCh37 (hg19) VCF-style: chr3-38912204-T-C.
Other names: c.3791A>G (NM_014139.2); c.3791A>G, p.Tyr1264Cys (NM_014139.3); short protein forms Y1264C.
Identifiers: ClinVar variation 2934095 (VCV002934095.4), dbSNP rs2065111797, ClinGen allele CA352169619.

ClinVar aggregate classification (germline): Uncertain significance. Review status: criteria provided, multiple submitters, no conflicts (2 of 4 stars). 2 submissions from 2 submitters: Uncertain significance (2). Last evaluated 2025-06-11.

Conditions:
Inborn genetic diseases. Identifiers: MedGen C0950123, MeSH D030342.
Familial episodic pain syndrome with predominantly lower limb involvement. Also called: Episodic pain syndrome, familial, 3. Identifiers: Orphanet 391384, Orphanet 391392, MedGen C3809899, MONDO:0014247, OMIM 615552.
Hereditary sensory and autonomic neuropathy type 7. Also called: HSAN VII; Neuropathy, hereditary sensory and autonomic, type VII. Identifiers: Orphanet 391397, MedGen C3809882, MONDO:0014244, OMIM 615548.

Allele frequency attached by ClinVar (database versions not stated): gnomAD exomes below 0.00001; gnomAD 0.00001; TOPMed 0.00001.
gnomAD v4.1: 4 of 1,613,480 alleles (0.00025%); highest among the groups gnomAD compares: Non-Finnish European, 0.00034%; no homozygotes.

Submissions (2):

Ambry Genetics
Classification: Uncertain significance for Inborn genetic diseases. Last evaluated: 2025-06-11. Review status: criteria provided, single submitter. Criteria: Ambry Variant Classification Scheme 2023. Collection method: clinical testing. Allele origin: germline.

Labcorp Genetics (formerly Invitae), Labcorp
Classification: Uncertain significance for Familial episodic pain syndrome with predominantly lower limb involvement; Hereditary sensory and autonomic neuropathy type 7. Last evaluated: 2023-05-31. Review status: criteria provided, single submitter. Criteria: Invitae Variant Classification Sherloc (09022015). Collection method: clinical testing. Allele origin: germline.
Comment: In summary, the available evidence is currently insufficient to determine the role of this variant in disease. Therefore, it has been classified as a Variant of Uncertain Significance. Advanced modeling of protein sequence and biophysical properties (such as structural, functional, and spatial information, amino acid conservation, physicochemical variation, residue mobility, and thermodynamic stability) performed at Invitae indicates that this missense variant is expected to disrupt SCN11A protein function. This variant has not been reported in the literature in individuals affected with SCN11A-related conditions. This variant is not present in population databases (gnomAD no frequency). This sequence change replaces tyrosine, which is neutral and polar, with cysteine, which is neutral and slightly polar, at codon 1264 of the SCN11A protein (p.Tyr1264Cys).